The following is an entry in ClinVar:

ClinVar aggregate classification (germline): Uncertain significance (1 of 4 stars; one submission).

Allele frequency attached by ClinVar (database versions not stated): gnomAD exomes below 0.00001.
gnomAD v4.1: 1 of 1,203,577 alleles (0.000083%); highest among the groups gnomAD compares: Middle Eastern, 0.023%; no homozygotes.

Submission:

GeneDx
Classification: Uncertain significance. Last evaluated: 2023-04-18. Review status: criteria provided, single submitter. Criteria: GeneDx Variant Classification Process June 2021. Collection method: clinical testing. Allele origin: germline. Affected: yes.
Comment: Not observed at significant frequency in large population cohorts (gnomAD); In silico analysis supports that this missense variant does not alter protein structure/function; Has not been previously published as pathogenic or benign to our knowledge

NM_012280.4(FTSJ1):c.797C>T (p.Thr266Ile)

Gene: FTSJ1 (FtsJ RNA 2'-O-methyltransferase 1; plus strand). Cytogenetic location: Xp11.23.
Variant type: single nucleotide variant.
Coding change: c.797C>T on transcript NM_012280.4 (MANE Select); coding-DNA position 797, C replaced by T.
Protein change: p.Thr266Ile; replaces threonine 266 with isoleucine.
Molecular consequence: missense variant.
Genome position (GRCh38, 1-based): chrX:48,482,634, C>T. VCF-style: chrX-48482634-C-T. GRCh37 (hg19) VCF-style: chrX-48341022-C-T.
Other names: c.386C>T, p.Thr129Ile (NM_001282157.2); c.791C>T, p.Thr264Ile (NM_177439.3); short protein forms T129I, T264I, T266I.
Identifiers: ClinVar variation 3253090 (VCV003253090.1), dbSNP rs2519396455.